The following is an entry in ClinVar:

NM_017837.4(PIGV):c.130C>G (p.Pro44Ala)

Gene: PIGV (phosphatidylinositol glycan anchor biosynthesis class V; plus strand). Cytogenetic location: 1p36.11.
Variant type: single nucleotide variant.
Coding change: c.130C>G on transcript NM_017837.4 (MANE Select); coding-DNA position 130, C replaced by G.
Protein change: p.Pro44Ala; replaces proline 44 with alanine.
Molecular consequence: missense variant. On other transcripts: 5 prime UTR variant (1), non-coding transcript variant (2), intron variant (1).
Genome position (GRCh38, 1-based): chr1:26,794,164, C>G. VCF-style: chr1-26794164-C-G. GRCh37 (hg19) VCF-style: chr1-27120655-C-G.
Other names: c.130C>G, p.Pro44Ala (NM_001202554.2, NM_001374478.1, NM_001374480.1 and 4 more transcripts); c.-252C>G (NM_001374483.1); c.78+3271C>G (NM_001374486.1); short protein forms P44A.
Identifiers: ClinVar variation 1492446 (VCV001492446.6), dbSNP rs2124193175, ClinGen allele CA339198512.

ClinVar aggregate classification (germline): Uncertain significance (1 of 4 stars; one submission).

Submission:

Labcorp Genetics (formerly Invitae), Labcorp
Classification: Uncertain significance. Last evaluated: 2021-12-04. Review status: criteria provided, single submitter. Criteria: Invitae Variant Classification Sherloc (09022015). Collection method: clinical testing. Allele origin: germline.
Comment: This sequence change replaces proline, which is neutral and non-polar, with alanine, which is neutral and non-polar, at codon 44 of the PIGV protein (p.Pro44Ala). In summary, the available evidence is currently insufficient to determine the role of this variant in disease. Therefore, it has been classified as a Variant of Uncertain Significance. Algorithms developed to predict the effect of missense changes on protein structure and function are either unavailable or do not agree on the potential impact of this missense change (SIFT: "Tolerated"; PolyPhen-2: "Probably Damaging"; Align-GVGD: "Class C0"). This variant has not been reported in the literature in individuals affected with PIGV-related conditions. This variant is not present in population databases (gnomAD no frequency).